The following is an entry in ClinVar:

ClinVar aggregate classification (germline): Pathogenic (1 of 4 stars; one submission).

Conditions:
Neonatal-onset encephalopathy with rigidity and seizures. Also called: Lethal neonatal spasticity-epileptic encephalopathy syndrome. Identifiers: Orphanet 435845, MedGen C3281029, MONDO:0013784, OMIM 614498.

Submission:

Labcorp Genetics (formerly Invitae), Labcorp
Classification: Pathogenic for Neonatal-onset encephalopathy with rigidity and seizures. Last evaluated: 2024-03-17. Review status: criteria provided, single submitter. Criteria: Invitae Variant Classification Sherloc (09022015). Collection method: clinical testing. Allele origin: germline.
Comment: This sequence change creates a premature translational stop signal (p.Leu493Profs*44) in the BRAT1 gene. It is expected to result in an absent or disrupted protein product. Loss-of-function variants in BRAT1 are known to be pathogenic (PMID: 22279524, 25500575). This variant is not present in population databases (gnomAD no frequency). This variant has not been reported in the literature in individuals affected with BRAT1-related conditions. For these reasons, this variant has been classified as Pathogenic.

Literature cited by the submitters: PubMed 22279524; PubMed 25500575.

NM_152743.4(BRAT1):c.1477dup (p.Leu493fs)

Gene: BRAT1 (BRCA1 associated ATM activator 1; minus strand). Cytogenetic location: 7p22.3.
Variant type: Duplication.
Coding change: c.1477dup on transcript NM_152743.4 (MANE Select); coding-DNA position 1477, one base duplicated (C; older notation c.1477dupC).
Protein change: p.Leu493fs; shifts the reading frame from leucine 493.
Molecular consequence: frameshift variant. On other transcripts: non-coding transcript variant (1).
Genome position (GRCh38, 1-based): chr7:2,539,807, G duplicated on the plus strand (C on the coding strand, the reverse complement: BRAT1 is on the minus strand); the first of 5 consecutive G bases (chr7:2,539,807-2,539,811); duplicating any one gives the same sequence. VCF-style (leftmost placement, unchanged base first): chr7-2539806-A-AG. GRCh37 (hg19) VCF-style: chr7-2579440-A-AG.
Other names: c.952dup, p.Leu318fs (NM_001350627.2); c.1477dup, p.Leu493fs (NM_001350626.2); short protein forms L318fs, L493fs.
Identifiers: ClinVar variation 3646452 (VCV003646452.2).